The following is an entry in ClinVar:

NM_001367624.2(ZNF469):c.9071A>G (p.Glu3024Gly)

Gene: ZNF469 (zinc finger protein 469; plus strand). Cytogenetic location: 16q24.2.
Variant type: single nucleotide variant.
Coding change: c.9071A>G on transcript NM_001367624.2 (MANE Select); coding-DNA position 9071, A replaced by G.
Protein change: p.Glu3024Gly; replaces glutamic acid 3024 with glycine.
Molecular consequence: missense variant.
Genome position (GRCh38, 1-based): chr16:88,436,541, A>G. VCF-style: chr16-88436541-A-G. GRCh37 (hg19) VCF-style: chr16-88502949-A-G.
Other names: NM_001127464.1:c.8987A>G; short protein forms E3024G.
Identifiers: ClinVar variation 2561843 (VCV002561843.2), dbSNP rs1021561580, ClinGen allele CA286385005.

ClinVar aggregate classification (germline): Uncertain significance (1 of 4 stars; one submission).

Conditions:
Cardiovascular phenotype. Identifiers: MedGen CN230736.

Allele frequency attached by ClinVar (database versions not stated): gnomAD exomes below 0.00001; gnomAD 0.00001; TOPMed 0.00002.
gnomAD v4.1: 3 of 1,549,352 alleles (0.00019%); highest among the groups gnomAD compares: African/African-American, 0.0027%; no homozygotes.

Submission:

Ambry Genetics
Classification: Uncertain significance for Cardiovascular phenotype. Last evaluated: 2023-05-22. Review status: criteria provided, single submitter. Criteria: Ambry Variant Classification Scheme 2023. Collection method: clinical testing. Allele origin: germline.
Comment: The p.E2996G variant (also known as c.8987A>G), located in coding exon 2 of the ZNF469 gene, results from an A to G substitution at nucleotide position 8987. The glutamic acid at codon 2996 is replaced by glycine, an amino acid with similar properties. This amino acid position is conserved. In addition, this alteration is predicted to be tolerated by in silico analysis. Since supporting evidence is limited at this time, the clinical significance of this alteration remains unclear.